The following is an entry in ClinVar:

ClinVar aggregate classification (germline): Conflicting classifications of pathogenicity. Review status: criteria provided, conflicting classifications (1 of 4 stars). 3 submissions from 3 submitters: Uncertain significance (1); Likely benign (2). Last evaluated 2024-03-04.

Conditions:
Autosomal recessive nonsyndromic hearing loss 3. Also called: NEUROSENSORY NONSYNDROMIC RECESSIVE DEAFNESS 3. Identifiers: Orphanet 90636, MedGen C1838263, MONDO:0010860, OMIM 600316.

Allele frequency attached by ClinVar (database versions not stated): gnomAD 0.00003 and 0.00004; gnomAD exomes 0.00003 and 0.00007; ExAC 0.00004; TOPMed 0.00004.
gnomAD v4.1: 109 of 1,613,622 alleles (0.0068%); highest among the groups gnomAD compares: Non-Finnish European, 0.0091%; no homozygotes.

Submissions (3):

Labcorp Genetics (formerly Invitae), Labcorp
Classification: Likely benign. Last evaluated: 2024-03-04. Review status: criteria provided, single submitter. Criteria: Invitae Variant Classification Sherloc (09022015). Collection method: clinical testing. Allele origin: germline.

Illumina Laboratory Services, Illumina
Classification: Uncertain significance for Autosomal recessive nonsyndromic hearing loss 3. Last evaluated: 2018-01-13. Review status: criteria provided, single submitter. Criteria: ICSL Variant Classification Criteria 13 December 2019. Collection method: clinical testing. Allele origin: germline.

Laboratory for Molecular Medicine, Mass General Brigham Personalized Medicine
Classification: Likely benign. Last evaluated: 2016-11-23. Review status: criteria provided, single submitter. Criteria: LMM Criteria. Collection method: clinical testing. Allele origin: germline. Observed: 1 variant allele.
Comment: p.Gln1644Gln in exon 17 of MYO15A: This variant is not expected to have clinical significance because it does not alter an amino acid residue and is not located within the splice consensus sequence. It has been identified in 5/120618 of the total chromosomes across several populations by the Exome Aggregation Consortiu m (ExAC; dbSNP rs773598909).

NM_016239.4(MYO15A):c.4932G>A (p.Gln1644=)

Gene: MYO15A (myosin XVA; plus strand). Cytogenetic location: 17p11.2.
Variant type: single nucleotide variant.
Coding change: c.4932G>A on transcript NM_016239.4 (MANE Select); coding-DNA position 4932, G replaced by A.
Protein change: p.Gln1644=; no amino-acid change (glutamine 1644 retained).
Molecular consequence: synonymous variant.
Genome position (GRCh38, 1-based): chr17:18,138,171, G>A. VCF-style: chr17-18138171-G-A. GRCh37 (hg19) VCF-style: chr17-18041485-G-A.
Identifiers: ClinVar variation 517172 (VCV000517172.11), dbSNP rs773598909, ClinGen allele CA8424089.